The following is an entry in ClinVar:

ClinVar aggregate classification (germline): Uncertain significance. Review status: criteria provided, multiple submitters, no conflicts (2 of 4 stars). 2 submissions from 2 submitters: Uncertain significance (2). Last evaluated 2024-05-15.

Conditions:
Cardiovascular phenotype. Identifiers: MedGen CN230736.

Allele frequency attached by ClinVar (database versions not stated): gnomAD 0.00002.
gnomAD v4.1: 24 of 1,558,054 alleles (0.0015%); highest among the groups gnomAD compares: Middle Eastern, 0.017%; no homozygotes.

Submissions (2):

Ambry Genetics
Classification: Uncertain significance for Cardiovascular phenotype. Last evaluated: 2024-05-15. Review status: criteria provided, single submitter. Criteria: Ambry Variant Classification Scheme 2023. Collection method: clinical testing. Allele origin: germline.

GeneDx
Classification: Uncertain significance. Last evaluated: 2021-08-06. Review status: criteria provided, single submitter. Criteria: GeneDx Variant Classification Process June 2021. Collection method: clinical testing. Allele origin: germline. Affected: yes.
Comment: Has not been previously published as pathogenic or benign to our knowledge; Not observed at a significant frequency in large population cohorts (Lek et al., 2016); In silico analysis supports that this missense variant has a deleterious effect on protein structure/function

NM_006440.5(TXNRD2):c.761G>A (p.Arg254His)

Gene: TXNRD2 (thioredoxin reductase 2; minus strand). Cytogenetic location: 22q11.21.
Variant type: single nucleotide variant.
Coding change: c.761G>A on transcript NM_006440.5 (MANE Select); coding-DNA position 761, G replaced by A.
Protein change: p.Arg254His; replaces arginine 254 with histidine.
Molecular consequence: missense variant. On other transcripts: non-coding transcript variant (1).
Genome position (GRCh38, 1-based): chr22:19,898,052, C>T on the plus strand (G>A on the coding strand, the complement: TXNRD2 is on the minus strand). VCF-style: chr22-19898052-C-T. GRCh37 (hg19) VCF-style: chr22-19885575-C-T.
Other names: c.761G>A, p.Arg254His (NM_001282512.3); c.758G>A, p.Arg253His (NM_001352300.2); c.671G>A, p.Arg224His (NM_001352301.2); c.473G>A, p.Arg158His (NM_001352302.2); c.665G>A, p.Arg222His (NM_001352303.2); short protein forms R158H, R222H, R224H, R253H, R254H.
Identifiers: ClinVar variation 1207625 (VCV001207625.7), dbSNP rs994880290, ClinGen allele CA322099846.